The following is an entry in ClinVar:

ClinVar aggregate classification (germline): Pathogenic (1 of 4 stars; one submission).

Allele frequency attached by ClinVar (database versions not stated): gnomAD 0.00001; gnomAD exomes 0.00001 and 0.00005; TOPMed 0.00003.
gnomAD v4.1: 73 of 1,613,984 alleles (0.0045%); highest among the groups gnomAD compares: Non-Finnish European, 0.0059%; no homozygotes.

Submission:

Labcorp Genetics (formerly Invitae), Labcorp
Classification: Pathogenic. Last evaluated: 2017-10-19. Review status: criteria provided, single submitter. Criteria: Invitae Variant Classification Sherloc (09022015). Collection method: clinical testing. Allele origin: germline.
Comment: This sequence change creates a premature translational stop signal (p.Gln601*) in the PLCD1 gene. It is expected to result in an absent or disrupted protein product. This variant is not present in population databases (ExAC no frequency). This variant has not been reported in the literature in individuals with PLCD1-related disease. Loss-of-function variants in PLCD1 are known to be pathogenic (PMID: 21665001). For these reasons, this variant has been classified as Pathogenic.

Literature cited by the submitters: PubMed 21665001.

NM_006225.4(PLCD1):c.1738C>T (p.Gln580Ter)

Gene: PLCD1 (phospholipase C delta 1; minus strand). Cytogenetic location: 3p22.2.
Variant type: single nucleotide variant.
Coding change: c.1738C>T on transcript NM_006225.4 (MANE Select); coding-DNA position 1738, C replaced by T.
Protein change: p.Gln580Ter; replaces glutamine 580 with a stop codon.
Molecular consequence: nonsense. On other transcripts: non-coding transcript variant (1).
Genome position (GRCh38, 1-based): chr3:38,008,622, G>A on the plus strand (C>T on the coding strand, the complement: PLCD1 is on the minus strand). VCF-style: chr3-38008622-G-A. GRCh37 (hg19) VCF-style: chr3-38050113-G-A.
Other names: c.1801C>T, p.Gln601Ter (NM_001130964.2); short protein forms Q580*, Q601*.
Identifiers: ClinVar variation 1074942 (VCV001074942.5), dbSNP rs917921060, ClinGen allele CA72862928.